The following is an entry in ClinVar:

ClinVar aggregate classification (germline): Benign (0 of 4 stars; one submission).

Conditions:
MUC16-related disorder. Also called: MUC16-related condition.

Allele frequency attached by ClinVar (database versions not stated): 1000 Genomes Project 0.22664; 1000 Genomes Project 30x 0.23204; TOPMed 0.29094; gnomAD 0.29427; ExAC 0.29476; ESP Exome Variant Server 0.30869; gnomAD exomes 0.31202.

Submission:

PreventionGenetics, part of Exact Sciences
Classification: Benign for MUC16-related condition. Last evaluated: 2019-10-18. Review status: no assertion criteria provided. Collection method: clinical testing. Allele origin: germline.
Comment: This variant is classified as benign based on ACMG/AMP sequence variant interpretation guidelines (Richards et al. 2015 PMID: 25741868, with internal and published modifications).

NM_001401501.2(MUC16):c.8761C>T (p.Pro2921Ser)

Gene: MUC16 (mucin 16, cell surface associated; minus strand). Cytogenetic location: 19p13.2.
Variant type: single nucleotide variant.
Coding change: c.8761C>T on transcript NM_001401501.2 (MANE Select); coding-DNA position 8761, C replaced by T.
Protein change: p.Pro2921Ser; replaces proline 2921 with serine.
Molecular consequence: missense variant.
Genome position (GRCh38, 1-based): chr19:8,972,498, G>A on the plus strand (C>T on the coding strand, the complement: MUC16 is on the minus strand). VCF-style: chr19-8972498-G-A. GRCh37 (hg19) VCF-style: chr19-9083174-G-A.
Other names: c.9187C>T, p.Pro3063Ser (NM_001414686.1); c.8641C>T, p.Pro2881Ser (NM_001414687.1, NM_024690.2); short protein forms P2881S, P2921S, P3063S.
Identifiers: ClinVar variation 3058881 (VCV003058881.2), dbSNP rs7245960, ClinGen allele CA9171930.
Genomic context (GRCh38, chr19:8,972,498, plus strand): 5'-CCAAACTTGGGACCTCAGAAAACTCAAATGTCAAGGTAGACTGTGGGATCCCCCAAGTTG[G>A]GGGAGCTGTAGTCAGTGAGGCAAAGGCCTTTGATGGGCTTGAGGAGGCAGAGACAGGTGT-3'
Protein context (NP_001388430.1, residues 2911-2931): KAFASLTTAP[Pro2921Ser]TWGIPQSTLT